The following is an entry in ClinVar:

NM_007186.6(CEP250):c.2849G>A (p.Arg950Gln)

Gene: CEP250 (centrosomal protein 250; plus strand). Cytogenetic location: 20q11.22.
Variant type: single nucleotide variant.
Coding change: c.2849G>A on transcript NM_007186.6 (MANE Select); coding-DNA position 2849, G replaced by A.
Protein change: p.Arg950Gln; replaces arginine 950 with glutamine.
Molecular consequence: missense variant.
Genome position (GRCh38, 1-based): chr20:35,491,306, G>A. VCF-style: chr20-35491306-G-A. GRCh37 (hg19) VCF-style: chr20-34079132-G-A.
Other names: c.953G>A, p.Arg318Gln (NM_001318219.1); short protein forms R950Q, R318Q.
Identifiers: ClinVar variation 1912464 (VCV001912464.3), dbSNP rs372510691, ClinGen allele CA9833299.

ClinVar aggregate classification (germline): Uncertain significance (1 of 4 stars; one submission).

Allele frequency attached by ClinVar (database versions not stated): gnomAD 0.00001; gnomAD exomes 0.00001; TOPMed 0.00001; ExAC 0.00002.
gnomAD v4.1: 12 of 1,601,712 alleles (0.00075%); highest among the groups gnomAD compares: Admixed American, 0.0034%; no homozygotes.

Submission:

Labcorp Genetics (formerly Invitae), Labcorp
Classification: Uncertain significance. Last evaluated: 2022-07-07. Review status: criteria provided, single submitter. Criteria: Invitae Variant Classification Sherloc (09022015). Collection method: clinical testing. Allele origin: germline.
Comment: In summary, the available evidence is currently insufficient to determine the role of this variant in disease. Therefore, it has been classified as a Variant of Uncertain Significance. Algorithms developed to predict the effect of missense changes on protein structure and function output the following: SIFT: "Not Available"; PolyPhen-2: "Benign"; Align-GVGD: "Not Available". The glutamine amino acid residue is found in multiple mammalian species, which suggests that this missense change does not adversely affect protein function. This variant has not been reported in the literature in individuals affected with CEP250-related conditions. The frequency data for this variant in the population databases is considered unreliable, as metrics indicate poor data quality at this position in the gnomAD database. This sequence change replaces arginine, which is basic and polar, with glutamine, which is neutral and polar, at codon 950 of the CEP250 protein (p.Arg950Gln).